The following is an entry in ClinVar:

ClinVar aggregate classification (germline): Benign. Review status: criteria provided, multiple submitters, no conflicts (2 of 4 stars). 7 submissions from 7 submitters: Benign (6). 1 of the submissions does not count toward it. Last evaluated 2026-01-18.

Conditions:
3-methylglutaconic aciduria type 1 (MGCA1). Identifiers: Orphanet 67046, MedGen C0342727, MONDO:0009610, OMIM 250950.

Allele frequency attached by ClinVar (database versions not stated): gnomAD exomes 0.00060 and 0.00087; ExAC 0.00239; ESP Exome Variant Server 0.00371; 1000 Genomes Project 30x 0.00453; 1000 Genomes Project 0.00459; gnomAD 0.00557 and 0.00593; TOPMed 0.00620.
gnomAD v4.1: 1,702 of 1,513,374 alleles (0.11%); highest among the groups gnomAD compares: African/African-American, 1.9%; 20 homozygotes.

Submissions (7):

Labcorp Genetics (formerly Invitae), Labcorp
Classification: Benign for 3-methylglutaconic aciduria type 1. Last evaluated: 2026-01-18. Review status: criteria provided, single submitter. Criteria: Invitae Variant Classification Sherloc (09022015). Collection method: clinical testing. Allele origin: germline.

Blueprint Genetics
Classification: Benign. Last evaluated: 2024-11-13. Review status: criteria provided, single submitter. Criteria: ACMG Guidelines, 2015. Collection method: clinical testing. Allele origin: germline.

Fulgent Genetics
Classification: Benign for 3-methylglutaconic aciduria type 1. Last evaluated: 2021-07-28. Review status: criteria provided, single submitter. Criteria: ACMG Guidelines, 2015. Collection method: clinical testing. Allele origin: unknown.

Illumina Laboratory Services, Illumina
Classification: Benign for 3-methylglutaconic aciduria type 1. Last evaluated: 2018-01-13. Review status: criteria provided, single submitter. Criteria: ICSL Variant Classification Criteria 13 December 2019. Collection method: clinical testing. Allele origin: germline.
Comment: This variant was observed in the ICSL laboratory as part of a predisposition screen in an ostensibly healthy population. It had not been previously curated by ICSL or reported in the Human Gene Mutation Database (HGMD: prior to June 1st, 2018), and was therefore a candidate for classification through an automated scoring system. Utilizing variant allele frequency, disease prevalence and penetrance estimates, and inheritance mode, an automated score was calculated to assess if this variant is too frequent to cause the disease. Based on the score and internal cut-off values, a variant classified as benign is not then subjected to further curation. The score for this variant resulted in a classification of benign for this disease.

GeneDx
Classification: Benign. Last evaluated: 2013-01-30. Review status: criteria provided, single submitter. Criteria: GeneDx Variant Classification (06012015). Collection method: clinical testing. Allele origin: germline. Affected: yes.
Comment: This variant is considered likely benign or benign based on one or more of the following criteria: it is a conservative change, it occurs at a poorly conserved position in the protein, it is predicted to be benign by multiple in silico algorithms, and/or has population frequency not consistent with disease.

Breakthrough Genomics
Classification: Benign. Review status: criteria provided, single submitter. Criteria: ACMG Guidelines, 2015. Collection method: not provided. Allele origin: germline. Inheritance: Autosomal recessive inheritance. Affected: yes.

Mayo Clinic Laboratories, Mayo Clinic
Classification: Benign. Last evaluated: 2016-03-15. Review status: no assertion criteria provided. Collection method: clinical testing. Allele origin: unknown. Not counted in ClinVar's aggregate classification.

NM_001698.3(AUH):c.77G>A (p.Cys26Tyr)

Genes: AUH (AU RNA binding methylglutaconyl-CoA hydratase; minus strand), LOC130002059 (ATAC-STARR-seq lymphoblastoid silent region 20025; plus strand). Cytogenetic location: 9q22.31.
Variant type: single nucleotide variant.
Coding change: c.77G>A on transcript NM_001698.3 (MANE Select); coding-DNA position 77, G replaced by A.
Protein change: p.Cys26Tyr; replaces cysteine 26 with tyrosine.
Molecular consequence: missense variant. On other transcripts: 5 prime UTR variant (3).
Genome position (GRCh38, 1-based): chr9:91,361,813, C>T on the plus strand (G>A on the coding strand, the complement: AUH is on the minus strand). VCF-style: chr9-91361813-C-T. GRCh37 (hg19) VCF-style: chr9-94124095-C-T.
Other names: p.C26Y:TGC>TAC; c.77G>A, p.Cys26Tyr (NM_001306190.2); c.-321G>A (NM_001351431.2, NM_001351433.2); c.-413G>A (NM_001351432.2); short protein forms C26Y.
Identifiers: ClinVar variation 136474 (VCV000136474.25), dbSNP rs74484860, ClinGen allele CA289616.
Genomic context (GRCh38, chr9:91,361,813, plus strand): 5'-CCCGCTCGCCGGCCTGCCAACGAGCCGGGCAGCCTCAACCCCGGGCAGAGCCACGCACTG[C>T]AAGCGGCCACCAGGCGGGCGCCGCCAGCATGCAGGGATCCCAAGGCCCCAGGTGCCGCCG-3'
Protein context (NP_001689.1, residues 16-36): HAGGARLVAA[Cys26Tyr]SAWLCPGLRL